The following is an entry in ClinVar:

ClinVar aggregate classification (germline): Pathogenic (1 of 4 stars; one submission).

Submission:

Labcorp Genetics (formerly Invitae), Labcorp
Classification: Pathogenic. Last evaluated: 2024-01-17. Review status: criteria provided, single submitter. Criteria: Invitae Variant Classification Sherloc (09022015). Collection method: clinical testing. Allele origin: germline.
Comment: This sequence change creates a premature translational stop signal (p.Ser1058*) in the COL17A1 gene. It is expected to result in an absent or disrupted protein product. Loss-of-function variants in COL17A1 are known to be pathogenic (PMID: 16473856, 17344927, 20301304, 21357940, 24319098). This variant is not present in population databases (gnomAD no frequency). This variant has not been reported in the literature in individuals affected with COL17A1-related conditions. For these reasons, this variant has been classified as Pathogenic.

Literature cited by the submitters: PubMed 16473856; PubMed 17344927; PubMed 20301304; PubMed 21357940; PubMed 24319098.

NM_000494.4(COL17A1):c.3173C>G (p.Ser1058Ter)

Gene: COL17A1 (collagen type XVII alpha 1 chain; minus strand). Cytogenetic location: 10q25.1.
Variant type: single nucleotide variant.
Coding change: c.3173C>G on transcript NM_000494.4 (MANE Select); coding-DNA position 3173, C replaced by G.
Protein change: p.Ser1058Ter; replaces serine 1058 with a stop codon.
Molecular consequence: nonsense.
Genome position (GRCh38, 1-based): chr10:104,037,671, G>C on the plus strand (C>G on the coding strand, the complement: COL17A1 is on the minus strand). VCF-style: chr10-104037671-G-C. GRCh37 (hg19) VCF-style: chr10-105797429-G-C.
Other names: short protein forms S1058*.
Identifiers: ClinVar variation 2709813 (VCV002709813.3), dbSNP rs2493290372, ClinGen allele CA378067148.